The following is an entry in ClinVar:

NM_001369.3(DNAH5):c.192+5G>A

Gene: DNAH5 (dynein axonemal heavy chain 5; minus strand). Cytogenetic location: 5p15.2.
Variant type: single nucleotide variant.
Coding change: c.192+5G>A on transcript NM_001369.3 (MANE Select); 5 bases into the intron after coding-DNA position 192, G replaced by A.
Molecular consequence: intron variant.
Genome position (GRCh38, 1-based): chr5:13,931,105, C>T on the plus strand (G>A on the coding strand, the complement: DNAH5 is on the minus strand). VCF-style: chr5-13931105-C-T. GRCh37 (hg19) VCF-style: chr5-13931214-C-T.
Identifiers: ClinVar variation 2152678 (VCV002152678.1), dbSNP rs2547182493, ClinGen allele CA2580072105.

ClinVar aggregate classification (germline): Uncertain significance (1 of 4 stars; one submission).

Conditions:
Primary ciliary dyskinesia. Also called: Ciliary dyskinesia. Identifiers: Orphanet 244, MedGen C0008780, MONDO:0016575, HP:0012265.

Allele frequency attached by ClinVar (database versions not stated): gnomAD exomes below 0.00001.
gnomAD v4.1: 1 of 1,614,062 alleles (0.000062%); highest among the groups gnomAD compares: South Asian, 0.0011%; no homozygotes.

Submission:

Labcorp Genetics (formerly Invitae), Labcorp
Classification: Uncertain significance for Primary ciliary dyskinesia. Last evaluated: 2022-08-12. Review status: criteria provided, single submitter. Criteria: Invitae Variant Classification Sherloc (09022015). Collection method: clinical testing. Allele origin: germline.
Comment: This sequence change falls in intron 2 of the DNAH5 gene. It does not directly change the encoded amino acid sequence of the DNAH5 protein. It affects a nucleotide within the consensus splice site. This variant is not present in population databases (gnomAD no frequency). This variant has not been reported in the literature in individuals affected with DNAH5-related conditions. Variants that disrupt the consensus splice site are a relatively common cause of aberrant splicing (PMID: 17576681, 9536098). Algorithms developed to predict the effect of sequence changes on RNA splicing suggest that this variant is not likely to affect RNA splicing. In summary, the available evidence is currently insufficient to determine the role of this variant in disease. Therefore, it has been classified as a Variant of Uncertain Significance.

Literature cited by the submitters: PubMed 17576681; PubMed 9536098.